The following is an entry in ClinVar:

ClinVar aggregate classification (germline): Uncertain significance (1 of 4 stars; one submission).

Conditions:
NOTCH2-related disorder. Also called: NOTCH2-related condition.

gnomAD v4.1: 16 of 1,613,912 alleles (0.00099%); highest among the groups gnomAD compares: African/African-American, 0.004%; no homozygotes.

Submission:

PreventionGenetics, part of Exact Sciences
Classification: Uncertain significance for NOTCH2-related condition. Last evaluated: 2025-01-15. Review status: criteria provided, single submitter. Criteria: ACMG Guidelines, 2015. Collection method: clinical testing. Allele origin: germline.
Comment: The NOTCH2 c.2074C>T variant is predicted to result in the amino acid substitution p.Arg692Cys. To our knowledge, this variant has not been reported in the literature. This variant is reported in 0.0018% of alleles in individuals of European (Non-Finnish) descent in gnomAD. At this time, the clinical significance of this variant is uncertain due to the absence of conclusive functional and genetic evidence.

NM_024408.4(NOTCH2):c.2074C>T (p.Arg692Cys)

Gene: NOTCH2 (notch receptor 2; minus strand). Cytogenetic location: 1p12.
Variant type: single nucleotide variant.
Coding change: c.2074C>T on transcript NM_024408.4 (MANE Select); coding-DNA position 2074, C replaced by T.
Protein change: p.Arg692Cys; replaces arginine 692 with cysteine.
Molecular consequence: missense variant.
Genome position (GRCh38, 1-based): chr1:119,955,185, G>A on the plus strand (C>T on the coding strand, the complement: NOTCH2 is on the minus strand). VCF-style: chr1-119955185-G-A. GRCh37 (hg19) VCF-style: chr1-120497808-G-A.
Other names: c.2074C>T, p.Arg692Cys (NM_001200001.2); short protein forms R692C.
Identifiers: ClinVar variation 4981793 (VCV004981793.1).